The following is an entry in ClinVar:

ClinVar aggregate classification (germline): Benign/Likely benign. Review status: criteria provided, multiple submitters, no conflicts (2 of 4 stars). 3 submissions from 3 submitters: Benign (2); Likely benign (1). Last evaluated 2026-02-02.

Conditions:
Intellectual developmental disorder, X-linked 1. Also called: Intellectual disability, X-linked 1; MENTAL RETARDATION, X-LINKED 18; MENTAL RETARDATION, X-LINKED 78; Atkin Flaitz Patil Smith syndrome. Identifiers: Orphanet 777, MedGen C2931498, MONDO:0010656, OMIM 309530.

Allele frequency attached by ClinVar (database versions not stated): TOPMed 0.00335; gnomAD exomes 0.00081 and 0.00028; gnomAD 0.00302 and 0.00306; ExAC 0.00156; 1000 Genomes Project 0.00477; ESP Exome Variant Server 0.00398; 1000 Genomes Project 30x 0.00499.
gnomAD v4.1: 661 of 1,190,090 alleles (0.056%); highest among the groups gnomAD compares: African/African-American, 1%; 7 homozygotes.

Submissions (3):

Labcorp Genetics (formerly Invitae), Labcorp
Classification: Benign for Intellectual developmental disorder, X-linked 1. Last evaluated: 2026-02-02. Review status: criteria provided, single submitter. Criteria: Invitae Variant Classification Sherloc (09022015). Collection method: clinical testing. Allele origin: germline.

Blueprint Genetics
Classification: Likely benign. Last evaluated: 2024-11-25. Review status: criteria provided, single submitter. Criteria: ACMG Guidelines, 2015. Collection method: clinical testing. Allele origin: germline.

GeneDx
Classification: Benign. Last evaluated: 2016-02-15. Review status: criteria provided, single submitter. Criteria: GeneDx Variant Classification (06012015). Collection method: clinical testing. Allele origin: germline. Affected: yes.
Comment: This variant is considered likely benign or benign based on one or more of the following criteria: it is a conservative change, it occurs at a poorly conserved position in the protein, it is predicted to be benign by multiple in silico algorithms, and/or has population frequency not consistent with disease.

NM_001111125.3(IQSEC2):c.3277+18G>A

Gene: IQSEC2 (IQ motif and Sec7 domain ArfGEF 2; minus strand). Cytogenetic location: Xp11.22.
Variant type: single nucleotide variant.
Coding change: c.3277+18G>A on transcript NM_001111125.3 (MANE Select); 18 bases into the intron after coding-DNA position 3277, G replaced by A.
Molecular consequence: intron variant.
Genome position (GRCh38, 1-based): chrX:53,238,127, C>T on the plus strand (G>A on the coding strand, the complement: IQSEC2 is on the minus strand). VCF-style: chrX-53238127-C-T. GRCh37 (hg19) VCF-style: chrX-53267309-C-T.
Other names: c.2662+18G>A (NM_015075.2).
Identifiers: ClinVar variation 383472 (VCV000383472.10), dbSNP rs143966238, ClinGen allele CA10419827.